The following is an entry in ClinVar:

NM_020975.6(RET):c.1250G>C (p.Arg417Pro)

Gene: RET (ret proto-oncogene; plus strand). Cytogenetic location: 10q11.21.
Variant type: single nucleotide variant.
Coding change: c.1250G>C on transcript NM_020975.6 (MANE Select); coding-DNA position 1250, G replaced by C.
Protein change: p.Arg417Pro; replaces arginine 417 with proline.
Molecular consequence: missense variant. On other transcripts: intron variant (18).
Genome position (GRCh38, 1-based): chr10:43,109,217, G>C. VCF-style: chr10-43109217-G-C. GRCh37 (hg19) VCF-style: chr10-43604665-G-C.
Other names: c.1250G>C, p.Arg417Pro (NM_000323.2, NM_001406743.1, NM_001406744.1 and 6 more transcripts); c.488G>C, p.Arg163Pro (NM_001355216.2); c.1121G>C, p.Arg374Pro (NM_001406761.1, NM_001406762.1, NM_001406764.1 and 1 more transcripts); c.962G>C, p.Arg321Pro (NM_001406766.1, NM_001406767.1, NM_001406770.1); c.812G>C, p.Arg271Pro (NM_001406771.1, NM_001406773.1); c.524G>C, p.Arg175Pro (NM_001406775.1, NM_001406776.1, NM_001406777.1 and 1 more transcripts); c.260G>C, p.Arg87Pro (NM_001406784.1); c.868-1990G>C (NM_001406772.1, NM_001406769.1); and 5 more; short protein forms R163P, R321P, R175P, R271P, R87P, R374P, R417P.
Identifiers: ClinVar variation 2454122 (VCV002454122.4), dbSNP rs201030628, ClinGen allele CA376548059.

ClinVar aggregate classification (germline): Uncertain significance. Review status: criteria provided, multiple submitters, no conflicts (2 of 4 stars). 2 submissions from 2 submitters: Uncertain significance (2). Last evaluated 2025-10-03.

Conditions:
Multiple endocrine neoplasia, type 2 (MEN2). Identifiers: Orphanet 653, MedGen C4048306, MONDO:0019003. Disease mechanism: gain of function.
Hereditary cancer-predisposing syndrome. Also called: Neoplastic Syndromes, Hereditary; Hereditary neoplastic syndrome; Tumor predisposition; Hereditary Cancer Syndrome. Identifiers: Orphanet 140162, MedGen C0027672, MeSH D009386, MONDO:0015356.

gnomAD v4.1: 1 of 1,613,010 alleles (0.000062%); highest among the groups gnomAD compares: Non-Finnish European, 0.000085%; no homozygotes.

Submissions (2):

Ambry Genetics
Classification: Uncertain significance for Hereditary cancer-predisposing syndrome. Last evaluated: 2025-10-03. Review status: criteria provided, single submitter. Criteria: Ambry Variant Classification Scheme 2023. Collection method: clinical testing. Allele origin: germline.
Comment: The p.R417P variant (also known as c.1250G>C), located in coding exon 6 of the RET gene, results from a G to C substitution at nucleotide position 1250. The arginine at codon 417 is replaced by proline, an amino acid with dissimilar properties. This amino acid position is conserved. In addition, the in silico prediction for this alteration is inconclusive. Based on the available evidence, the clinical significance of this variant remains unclear.

All of Us Research Program, National Institutes of Health
Classification: Uncertain significance for Multiple endocrine neoplasia, type 2. Last evaluated: 2023-05-04. Review status: criteria provided, single submitter. Criteria: ACMG Guidelines, 2015. Collection method: clinical testing. Allele origin: germline. Inheritance: Autosomal dominant inheritance. Observed: 1 variant allele, 1 heterozygote.
Comment: This missense variant replaces arginine with proline at codon 417 of the RET protein. Computational prediction suggests that this variant may not impact protein structure and function (internally defined REVEL score threshold <= 0.5, PMID: 27666373). To our knowledge, functional studies have not been reported for this variant. This variant has not been reported in individuals affected with RET-related disorders in the literature. This variant has been identified in 1/31400 chromosomes in the general population by the Genome Aggregation Database (gnomAD). The available evidence is insufficient to determine the role of this variant in disease conclusively. Therefore, this variant is classified as a Variant of Uncertain Significance.

This study involves interpretation of variants in research participants for the purpose of population health screening. Participant phenotype was not available at the time of variant classification. Additional details can be found in publication PMID: 35346344, PMCID: PMC8962531